The following is an entry in ClinVar:

NM_001080421.3(UNC13A):c.742G>A (p.Glu248Lys)

Gene: UNC13A (unc-13 homolog A; minus strand). Cytogenetic location: 19p13.11.
Variant type: single nucleotide variant.
Coding change: c.742G>A on transcript NM_001080421.3 (MANE Select); coding-DNA position 742, G replaced by A.
Protein change: p.Glu248Lys; replaces glutamic acid 248 with lysine.
Molecular consequence: missense variant.
Genome position (GRCh38, 1-based): chr19:17,658,087, C>T on the plus strand (G>A on the coding strand, the complement: UNC13A is on the minus strand). VCF-style: chr19-17658087-C-T. GRCh37 (hg19) VCF-style: chr19-17768896-C-T.
Other names: c.742G>A, p.Glu248Lys (NM_001387021.1, NM_001387022.1, NM_001387023.1); short protein forms E248K.
Identifiers: ClinVar variation 4874649 (VCV004874649.2).

ClinVar aggregate classification (germline): Uncertain significance (1 of 4 stars; one submission).

gnomAD v4.1: 1 of 1,613,684 alleles (0.000062%); highest among the groups gnomAD compares: Non-Finnish European, 0.000085%; no homozygotes.

Submission:

CeGaT Center for Human Genetics Tuebingen
Classification: Uncertain significance. Last evaluated: 2026-04-01. Review status: criteria provided, single submitter. Criteria: CeGaT Center For Human Genetics Tuebingen Variant Classification Criteria Version 2. Collection method: clinical testing. Allele origin: germline. Affected: yes. Observed: 1 variant allele.
Comment: UNC13A: PM2